The following is an entry in ClinVar:

NM_000081.4(LYST):c.11122G>A (p.Val3708Met)

Gene: LYST (lysosomal trafficking regulator; minus strand). Cytogenetic location: 1q42.3.
Variant type: single nucleotide variant.
Coding change: c.11122G>A on transcript NM_000081.4 (MANE Select); coding-DNA position 11122, G replaced by A.
Protein change: p.Val3708Met; replaces valine 3708 with methionine.
Molecular consequence: missense variant.
Genome position (GRCh38, 1-based): chr1:235,664,538, C>T on the plus strand (G>A on the coding strand, the complement: LYST is on the minus strand). VCF-style: chr1-235664538-C-T. GRCh37 (hg19) VCF-style: chr1-235827838-C-T.
Other names: p.Val3708Met; c.11122G>A, p.Val3708Met (NM_001301365.1); short protein forms V3708M.
Identifiers: ClinVar variation 296347 (VCV000296347.11), dbSNP rs377306581, ClinGen allele CA1465205.
Genomic context (GRCh38, chr1:235,664,538, plus strand): 5'-TTTCTAATCCCCCAGCGATTACATTGATAGATACTCCCTCAGGCTGGTTGGAGAAAGCCA[C>T]GGAACAGATGATCTCCCTGCAGTGGACATGTCCAACGAGATCCCCGTTCACCGTCCAGAG-3'
Protein context (NP_000072.2, residues 3698-3718): HVHCREIICS[Val3708Met]AFSNQPEGVS

ClinVar aggregate classification (germline): Uncertain significance. Review status: criteria provided, multiple submitters, no conflicts (2 of 4 stars). 4 submissions from 4 submitters: Uncertain significance (4). Last evaluated 2025-11-25.

Conditions:
Chédiak-Higashi syndrome (CHS). Also called: Chediak-Higashi Syndrome. Identifiers: Orphanet 167, MedGen C0007965, MONDO:0008963, OMIM 214500.
LYST-related disorder. Also called: LYST-related condition.

Allele frequency attached by ClinVar (database versions not stated): ExAC 0.00001; gnomAD exomes 0.00003; gnomAD 0.00007; ESP Exome Variant Server 0.00015.
gnomAD v4.1: 64 of 1,614,134 alleles (0.004%); highest among the groups gnomAD compares: Admixed American, 0.0067%; no homozygotes.

Submissions (4):

PreventionGenetics, part of Exact Sciences
Classification: Uncertain significance for LYST-related condition. Last evaluated: 2025-11-25. Review status: criteria provided, single submitter. Criteria: ACMG Guidelines, 2015. Collection method: clinical testing. Allele origin: germline.
Comment: The LYST c.11122G>A variant is predicted to result in the amino acid substitution p.Val3708Met. To our knowledge, this variant has not been reported in the literature. This variant is reported in 0.0056% of alleles in individuals of Latino descent in gnomAD. At this time, the clinical significance of this variant is uncertain due to the absence of conclusive functional and genetic evidence.

Mayo Clinic Laboratories, Mayo Clinic
Classification: Uncertain significance. Last evaluated: 2024-02-13. Review status: criteria provided, single submitter. Criteria: ACMG Guidelines, 2015. Collection method: clinical testing. Allele origin: germline. Observed: 1 variant allele.
Comment: BP4, PP2

Labcorp Genetics (formerly Invitae), Labcorp
Classification: Uncertain significance for Chédiak-Higashi syndrome. Last evaluated: 2022-11-02. Review status: criteria provided, single submitter. Criteria: Invitae Variant Classification Sherloc (09022015). Collection method: clinical testing. Allele origin: germline.
Comment: This sequence change replaces valine, which is neutral and non-polar, with methionine, which is neutral and non-polar, at codon 3708 of the LYST protein (p.Val3708Met). This variant is present in population databases (rs377306581, gnomAD 0.006%). This variant has not been reported in the literature in individuals affected with LYST-related conditions. ClinVar contains an entry for this variant (Variation ID: 296347). Advanced modeling of protein sequence and biophysical properties (such as structural, functional, and spatial information, amino acid conservation, physicochemical variation, residue mobility, and thermodynamic stability) performed at Invitae indicates that this missense variant is not expected to disrupt LYST protein function. In summary, the available evidence is currently insufficient to determine the role of this variant in disease. Therefore, it has been classified as a Variant of Uncertain Significance.

Illumina Laboratory Services, Illumina
Classification: Uncertain significance for Chédiak-Higashi syndrome. Last evaluated: 2018-01-13. Review status: criteria provided, single submitter. Criteria: ICSL Variant Classification Criteria 13 December 2019. Collection method: clinical testing. Allele origin: germline.